The following is an entry in ClinVar:

NM_000492.4(CFTR):c.4118G>T (p.Ser1373Ile)

Gene: CFTR (CF transmembrane conductance regulator; plus strand). Cytogenetic location: 7q31.2.
Variant type: single nucleotide variant.
Coding change: c.4118G>T on transcript NM_000492.4 (MANE Select); coding-DNA position 4118, G replaced by T.
Protein change: p.Ser1373Ile; replaces serine 1373 with isoleucine.
Molecular consequence: missense variant.
Genome position (GRCh38, 1-based): chr7:117,664,842, G>T. VCF-style: chr7-117664842-G-T. GRCh37 (hg19) VCF-style: chr7-117304896-G-T.
Other names: short protein forms S1373I.
Identifiers: ClinVar variation 128714 (VCV000128714.10), dbSNP rs587780313, ClinGen allele CA231021.

ClinVar aggregate classification (germline): Uncertain significance. Review status: criteria provided, multiple submitters, no conflicts (2 of 4 stars). 3 submissions from 3 submitters: Uncertain significance (3). Last evaluated 2026-08-24.

Conditions:
CFTR-related disorder (CFTR-RD). Also called: CFTR-related disorders; CFTR-related condition. Identifiers: MedGen C5924204, MONDO:7770004.
Cystic fibrosis (CF). Also called: MUCOVISCIDOSIS. Identifiers: Orphanet 586, MedGen C0010674, MONDO:0009061, OMIM 219700. Disease mechanism: loss of function.

Submissions (3):

Clinical Genetics Laboratory, Skane University Hospital Lund
Classification: Uncertain significance for CFTR-related disorder. Last evaluated: 2026-08-24. Review status: criteria provided, single submitter. Criteria: ACMG Guidelines, 2015. Collection method: clinical testing. Allele origin: germline. Affected: yes.
Comment: Phase not resolved. ACMG criteria used: PM2, PP3.

Ambry Genetics
Classification: Uncertain significance for Cystic fibrosis. Last evaluated: 2025-01-27. Review status: criteria provided, single submitter. Criteria: Ambry Variant Classification Scheme 2023. Collection method: clinical testing. Allele origin: germline.
Comment: The p.S1373I variant (also known as c.4118G>T), located in coding exon 25 of the CFTR gene, results from a G to T substitution at nucleotide position 4118. The serine at codon 1373 is replaced by isoleucine, an amino acid with dissimilar properties. This amino acid position is highly conserved in available vertebrate species. In addition, this alteration is predicted to be deleterious by in silico analysis. Since supporting evidence is limited at this time, the clinical significance of this alteration remains unclear.

Genetic Services Laboratory, University of Chicago
Classification: Uncertain significance. Last evaluated: 2013-02-19. Review status: criteria provided, single submitter. Criteria: ACMG Guidelines, 2007. Collection method: clinical testing. Allele origin: germline. Inheritance: Autosomal recessive inheritance.